The following is an entry in ClinVar:

NM_000540.3(RYR1):c.3301G>A (p.Val1101Met)

Gene: RYR1 (ryanodine receptor 1; plus strand). Cytogenetic location: 19q13.2.
Variant type: single nucleotide variant.
Coding change: c.3301G>A on transcript NM_000540.3 (MANE Select); coding-DNA position 3301, G replaced by A.
Protein change: p.Val1101Met; replaces valine 1101 with methionine.
Molecular consequence: missense variant.
Genome position (GRCh38, 1-based): chr19:38,467,732, G>A. VCF-style: chr19-38467732-G-A. GRCh37 (hg19) VCF-style: chr19-38958372-G-A.
Other names: p.V1101M:GTG>ATG; c.3301G>A, p.Val1101Met (NM_001042723.2); short protein forms V1101M.
Identifiers: ClinVar variation 201148 (VCV000201148.18), dbSNP rs145088074, ClinGen allele CA024393.
Genomic context (GRCh38, chr19:38,467,732, plus strand): 5'-ACAGTGCAGAGCGGCCGCTGGTACTTCGAGTTTGAAGCAGTCACCACAGGCGAGATGCGC[G>A]TGGGCTGGGCGAGGCCCGAGCTGAGGCCTGATGTAGAGCTGGGAGCTGACGAGCTGGCCT-3'
Protein context (NP_000531.2, residues 1091-1111): FEAVTTGEMR[Val1101Met]GWARPELRPD

ClinVar aggregate classification (germline): Conflicting classifications of pathogenicity. Review status: criteria provided, conflicting classifications (1 of 4 stars). 5 submissions from 5 submitters: Pathogenic (1); Likely pathogenic (1); Uncertain significance (3). Last evaluated 2026-02-12.

Conditions:
RYR1-related disorder. Also called: RYR1-related disorders; RYR1-related condition. Identifiers: MedGen CN239331.
Central core myopathy (CMYO1A). Also called: CONGENITAL MYOPATHY 1A, AUTOSOMAL DOMINANT, WITH SUSCEPTIBILITY TO MALIGNANT HYPERTHERMIA; Central core disease; Myopathy, central fibrillar. Identifiers: Orphanet 597, MedGen C5830701, MONDO:0007294, OMIM 117000.
Malignant hyperthermia, susceptibility to, 1 (MHS1). Also called: RYR1-Related Malignant Hyperthermia Susceptibility; Malignant hyperthermia suceptibility 1; Anesthesia related hyperthermia; Malignant hyperpyrexia; Fulminating hyperpyrexia; Pharmacogenic myopathy. Identifiers: Orphanet 423, MedGen C2930980, MONDO:0007783, OMIM 145600.

Allele frequency attached by ClinVar (database versions not stated): gnomAD 0.00001; gnomAD exomes 0.00001; ExAC 0.00002; TOPMed 0.00004; ESP Exome Variant Server 0.00015.
gnomAD v4.1: 15 of 1,614,110 alleles (0.00093%); highest among the groups gnomAD compares: Admixed American, 0.0033%; no homozygotes.

Submissions (5):

GeneDx
Classification: Uncertain significance. Last evaluated: 2026-02-12. Review status: criteria provided, single submitter. Criteria: GeneDx Variant Classification Process June 2021. Collection method: clinical testing. Allele origin: germline. Affected: yes.
Comment: Identified in a patient with congenital fiber-type disproportion who also harbored a second RYR1 variant on the opposite allele (PMID: 28424332); In silico analysis suggests that this missense variant does not alter protein structure/function; Not observed at significant frequency in large population cohorts (gnomAD); This variant is associated with the following publications: (PMID: 35428369, 28424332, 39006921, 38544359)

Labcorp Genetics (formerly Invitae), Labcorp
Classification: Pathogenic for RYR1-related disorder. Last evaluated: 2025-10-09. Review status: criteria provided, single submitter. Criteria: Invitae Variant Classification Sherloc (09022015). Collection method: clinical testing. Allele origin: germline.
Comment: This sequence change replaces valine, which is neutral and non-polar, with methionine, which is neutral and non-polar, at codon 1101 of the RYR1 protein (p.Val1101Met). This variant is present in population databases (rs145088074, gnomAD 0.003%). This missense change has been observed in individual(s) with clinical features of autosomal recessive RYR1-related conditions (PMID: 2842332; internal data). In at least one individual the data is consistent with being in trans (on the opposite chromosome) from a pathogenic variant. It has also been observed to segregate with disease in related individuals. This variant is also known as chr19:38958372G>A. ClinVar contains an entry for this variant (Variation ID: 201148). Invitae Evidence Modeling of protein sequence and biophysical properties (such as structural, functional, and spatial information, amino acid conservation, physicochemical variation, residue mobility, and thermodynamic stability) has been performed for this missense variant. However, the output from this modeling did not meet the statistical confidence thresholds required to predict the impact of this variant on RYR1 protein function. For these reasons, this variant has been classified as Pathogenic.

Women's Health and Genetics/Laboratory Corporation of America, LabCorp
Classification: Uncertain significance. Last evaluated: 2025-07-03. Review status: criteria provided, single submitter. Criteria: LabCorp Variant Classification Summary - May 2015. Collection method: clinical testing. Allele origin: germline.
Comment: Variant summary: RYR1 c.3301G>A (p.Val1101Met) results in a conservative amino acid change in the encoded protein sequence. Algorithms developed to predict the effect of missense changes on protein structure and function are either unavailable or do not agree on the potential impact of this missense change. The variant allele was found at a frequency of 8e-06 in 251424 control chromosomes (gnomAD). c.3301G>A has been observed in individuals affected with RYR1-related conditions including Congenital Fiber-Type Disproportion and core myopathy (Cummings_2017, Fusto_2022, Marchant_2024, Labcorp (formerly Invitae)). These data indicate that the variant may be associated with disease. To our knowledge, no experimental evidence demonstrating an impact on protein function has been reported. The following publications have been ascertained in the context of this evaluation (PMID: 28424332, 35428369, 38544359). ClinVar contains an entry for this variant (Variation ID: 201148). Based on the evidence outlined above, the variant was classified as VUS-possibly pathogenic.

All of Us Research Program, National Institutes of Health
Classification: Uncertain significance for Malignant hyperthermia, susceptibility to, 1. Last evaluated: 2023-11-30. Review status: criteria provided, single submitter. Criteria: ACMG Guidelines, 2015. Collection method: clinical testing. Allele origin: germline. Inheritance: Autosomal dominant inheritance. Observed: 6 variant alleles, 6 heterozygotes.
Comment: This missense variant replaces valine with methionine at codon 1101 of the RYR1 protein. Computational prediction suggests that this variant may have deleterious impact on protein structure and function (internally defined REVEL score threshold >= 0.7, PMID: 27666373). To our knowledge, functional studies have not been reported for this variant. This variant has not been reported in individuals affected with autosomal dominant malignant hyperthermia in the literature, although it is associated with other phenotype(s) (ClinVar variation ID: 201148). This variant has been identified in 3/282824 chromosomes in the general population by the Genome Aggregation Database (gnomAD). Due to insufficient evidence, this variant is classified as a Variant of Uncertain Significance for autosomal dominant malignant hyperthermia.

This study involves interpretation of variants in research participants for the purpose of population health screening. Participant phenotype was not available at the time of variant classification. Additional details can be found in publication PMID: 35346344, PMCID: PMC8962531

Broad Center for Mendelian Genomics, Broad Institute of MIT and Harvard
Classification: Likely pathogenic for Central core myopathy. Last evaluated: 2018-06-15. Review status: criteria provided, single submitter. Criteria: ACMG Guidelines, 2015. Collection method: research. Allele origin: germline. Inheritance: Autosomal recessive inheritance. Affected: yes.
Comment: This variant has been identified in <0.01% (1/34420) of Latino chromosomes by the Genome Aggregation Database (gnomAD; dbSNP rs145088074). Although this variant has been seen in the general population, its frequency is low enough to be consistent with a recessive carrier frequency. The Valine (Val) at position 1101 is highly conserved in mammals and evolutionarily distant species, raising the possibility that a change at this position may not be tolerated. Computational tools do not provide strong support for or against an impact to the protein. In summary, although additional studies are required to fully establish its pathogenicity, this variant is likely pathogenic.

Literature cited by the submitters: PubMed 2842332 (cited by Labcorp Genetics (formerly Invitae), Labcorp); PubMed 28424332 (cited by Women's Health and Genetics/Laboratory Corporation of America, LabCorp); PubMed 35428369 (cited by Women's Health and Genetics/Laboratory Corporation of America, LabCorp); PubMed 38544359 (cited by Women's Health and Genetics/Laboratory Corporation of America, LabCorp).